The following is an entry in ClinVar:

NM_000057.4(BLM):c.848C>G (p.Thr283Ser)

Gene: BLM (BLM RecQ like helicase; plus strand). Cytogenetic location: 15q26.1.
Variant type: single nucleotide variant.
Coding change: c.848C>G on transcript NM_000057.4 (MANE Select); coding-DNA position 848, C replaced by G.
Protein change: p.Thr283Ser; replaces threonine 283 with serine.
Molecular consequence: missense variant. On other transcripts: 5 prime UTR variant (1).
Genome position (GRCh38, 1-based): chr15:90,751,835, C>G. VCF-style: chr15-90751835-C-G. GRCh37 (hg19) VCF-style: chr15-91295065-C-G.
Other names: c.848C>G, p.Thr283Ser (NM_001287246.2, NM_001287247.2); c.-444C>G (NM_001287248.2); short protein forms T283S.
Identifiers: ClinVar variation 577589 (VCV000577589.9), dbSNP rs1567036612, ClinGen allele CA393841722.

ClinVar aggregate classification (germline): Uncertain significance (1 of 4 stars; one submission).

Conditions:
Bloom syndrome (BLM). Also called: Bloom-Torre-Machacek syndrome. Identifiers: Orphanet 125, MedGen C0005859, MONDO:0008876, OMIM 210900.

Submission:

Labcorp Genetics (formerly Invitae), Labcorp
Classification: Uncertain significance for Bloom syndrome. Last evaluated: 2018-04-27. Review status: criteria provided, single submitter. Criteria: Invitae Variant Classification Sherloc (09022015). Collection method: clinical testing. Allele origin: germline.
Comment: This sequence change replaces threonine with serine at codon 283 of the BLM protein (p.Thr283Ser). The threonine residue is weakly conserved and there is a small physicochemical difference between threonine and serine. This variant is not present in population databases (ExAC no frequency). This variant has not been reported in the literature in individuals with BLM-related disease. Algorithms developed to predict the effect of missense changes on protein structure and function (SIFT, PolyPhen-2, Align-GVGD) all suggest that this variant is likely to be tolerated, but these predictions have not been confirmed by published functional studies and their clinical significance is uncertain. Algorithms developed to predict the effect of sequence changes on RNA splicing suggest that this variant may create or strengthen a splice site, but this prediction has not been confirmed by published transcriptional studies. In summary, the available evidence is currently insufficient to determine the role of this variant in disease. Therefore, it has been classified as a Variant of Uncertain Significance.